The following is an entry in ClinVar:

NM_004667.6(HERC2):c.1205G>A (p.Arg402His)

Gene: HERC2 (HECT and RLD domain containing E3 ubiquitin protein ligase 2; minus strand). Cytogenetic location: 15q13.1.
Variant type: single nucleotide variant.
Coding change: c.1205G>A on transcript NM_004667.6 (MANE Select); coding-DNA position 1205, G replaced by A.
Protein change: p.Arg402His; replaces arginine 402 with histidine.
Molecular consequence: missense variant.
Genome position (GRCh38, 1-based): chr15:28,270,747, C>T on the plus strand (G>A on the coding strand, the complement: HERC2 is on the minus strand). VCF-style: chr15-28270747-C-T. GRCh37 (hg19) VCF-style: chr15-28515893-C-T.
Other names: c.1205G>A (NM_004667.5); short protein forms R402H.
Identifiers: ClinVar variation 2645083 (VCV002645083.26), dbSNP rs200754559, ClinGen allele CA7443534.

ClinVar aggregate classification (germline): Uncertain significance. Review status: criteria provided, multiple submitters, no conflicts (2 of 4 stars). 2 submissions from 2 submitters: Uncertain significance (2). Last evaluated 2026-05-12.

Allele frequency attached by ClinVar (database versions not stated): ExAC 0.00002; gnomAD 0.00002; TOPMed 0.00003.
gnomAD v4.1: 36 of 1,613,812 alleles (0.0022%); highest among the groups gnomAD compares: Admixed American, 0.0067%; no homozygotes.

Submissions (2):

GeneDx
Classification: Uncertain significance. Last evaluated: 2026-05-12. Review status: criteria provided, single submitter. Criteria: GeneDx Variant Classification Process June 2021. Collection method: clinical testing. Allele origin: germline.
Comment: In silico analysis supports that this missense variant has a deleterious effect on protein structure/function; Has not been previously published as pathogenic or benign to our knowledge

CeGaT Center for Human Genetics Tuebingen
Classification: Uncertain significance. Last evaluated: 2022-07-01. Review status: criteria provided, single submitter. Criteria: CeGaT Center For Human Genetics Tuebingen Variant Classification Criteria Version 2. Collection method: clinical testing. Allele origin: germline. Affected: yes. Observed: 1 variant allele.
Comment: HERC2: PM2, PP2